The following is an entry in ClinVar:

ClinVar aggregate classification (germline): Likely benign (0 of 4 stars; one submission).

Conditions:
PIWIL1-related disorder. Also called: PIWIL1-related condition.

Allele frequency attached by ClinVar (database versions not stated): gnomAD exomes 0.00003; ExAC 0.00004; TOPMed 0.00006; gnomAD 0.00007; ESP Exome Variant Server 0.00008.
gnomAD v4.1: 64 of 1,614,110 alleles (0.004%); highest among the groups gnomAD compares: African/African-American, 0.019%; no homozygotes.

Submission:

PreventionGenetics, part of Exact Sciences
Classification: Likely benign for PIWIL1-related condition. Last evaluated: 2019-06-18. Review status: no assertion criteria provided. Collection method: clinical testing. Allele origin: germline.
Comment: This variant is classified as likely benign based on ACMG/AMP sequence variant interpretation guidelines (Richards et al. 2015 PMID: 25741868, with internal and published modifications).

NM_004764.5(PIWIL1):c.2094C>T (p.Ile698=)

Gene: PIWIL1 (piwi like RNA-mediated gene silencing 1; plus strand). Cytogenetic location: 12q24.33.
Variant type: single nucleotide variant.
Coding change: c.2094C>T on transcript NM_004764.5 (MANE Select); coding-DNA position 2094, C replaced by T.
Protein change: p.Ile698=; no amino-acid change (isoleucine 698 retained).
Molecular consequence: synonymous variant.
Genome position (GRCh38, 1-based): chr12:130,363,043, C>T. VCF-style: chr12-130363043-C-T. GRCh37 (hg19) VCF-style: chr12-130847588-C-T.
Other names: c.2094C>T, p.Ile698= (NM_001190971.2).
Identifiers: ClinVar variation 3033233 (VCV003033233.2), dbSNP rs372258497, ClinGen allele CA6877441.
Genomic context (GRCh38, chr12:130,363,043, plus strand): 5'-TGTTTCAGCGGCTCTGAGGGCTTGGAATAGCTGCAATGAGTACATGCCCAGCCGGATCAT[C>T]GTGTACCGCGATGGCGTAGGAGACGGCCAGCTGAAAACACTGGTGAACTACGAAGTGCCA-3'
Protein context (NP_004755.2, residues 688-708): SCNEYMPSRI[Ile698=]VYRDGVGDGQ